The following is an entry in ClinVar:

NM_005263.5(GFI1):c.913G>A (p.Val305Met)

Gene: GFI1 (growth factor independent 1 transcriptional repressor; minus strand). Cytogenetic location: 1p22.1.
Variant type: single nucleotide variant.
Coding change: c.913G>A on transcript NM_005263.5 (MANE Select); coding-DNA position 913, G replaced by A.
Protein change: p.Val305Met; replaces valine 305 with methionine.
Molecular consequence: missense variant.
Genome position (GRCh38, 1-based): chr1:92,480,359, C>T on the plus strand (G>A on the coding strand, the complement: GFI1 is on the minus strand). VCF-style: chr1-92480359-C-T. GRCh37 (hg19) VCF-style: chr1-92945916-C-T.
Other names: c.913G>A, p.Val305Met (NM_001127215.3, NM_001127216.3); short protein forms V305M.
Identifiers: ClinVar variation 4029411 (VCV004029411.1).
Genomic context (GRCh38, chr1:92,480,359, plus strand): 5'-CAGAAGATCCCCGAGCAGGGCCGCGCGCGGCGGTGCGCCCCGCGCTTACCTGCGAGTGCA[C>T]GGCTTTGTGCTGCTCCAGGCTCACCGCGTGCCCGAAGGTCTTGCCGCACATCTCGCAGGC-3'
Protein context (NP_005254.2, residues 295-315): HAVSLEQHKA[Val305Met]HSQERSFDCK

ClinVar aggregate classification (germline): Uncertain significance (1 of 4 stars; one submission).

Submission:

Ambry Genetics
Classification: Uncertain significance. Last evaluated: 2025-05-02. Review status: criteria provided, single submitter. Criteria: Ambry Variant Classification Scheme 2023. Collection method: clinical testing. Allele origin: germline.
Comment: The p.V305M variant (also known as c.913G>A), located in coding exon 4 of the GFI1 gene, results from a G to A substitution at nucleotide position 913. The valine at codon 305 is replaced by methionine, an amino acid with highly similar properties. This amino acid position is conserved. In addition, this alteration is predicted to be tolerated by in silico analysis. Based on the available evidence, the clinical significance of this variant remains unclear.